The following is an entry in ClinVar:

ClinVar aggregate classification (germline): Pathogenic (1 of 4 stars; one submission).

Conditions:
Glycogen storage disease XV (GSD15). Also called: GLYCOGENIN DEFICIENCY; GSD XV. Identifiers: Orphanet 263297, MedGen C3150754, MONDO:0013291, OMIM 613507.
Polyglucosan body myopathy type 2. Identifiers: Orphanet 456369, MedGen C4015452, MONDO:0014526, OMIM 616199.

Submission:

Labcorp Genetics (formerly Invitae), Labcorp
Classification: Pathogenic for Polyglucosan body myopathy type 2; Glycogen storage disease XV. Last evaluated: 2025-06-02. Review status: criteria provided, single submitter. Criteria: Invitae Variant Classification Sherloc (09022015). Collection method: clinical testing. Allele origin: germline.
Comment: This sequence change creates a premature translational stop signal (p.Val267Leufs*9) in the GYG1 gene. It is expected to result in an absent or disrupted protein product. Loss-of-function variants in GYG1 are known to be pathogenic (PMID: 20357282, 25272951). This variant is not present in population databases (gnomAD no frequency). This variant has not been reported in the literature in individuals affected with GYG1-related conditions. For these reasons, this variant has been classified as Pathogenic.

Literature cited by the submitters: PubMed 20357282; PubMed 25272951.

NM_004130.4(GYG1):c.797_798dup (p.Val267fs)

Gene: GYG1 (glycogenin 1; plus strand). Cytogenetic location: 3q24.
Variant type: Duplication.
Coding change: c.797_798dup on transcript NM_004130.4 (MANE Select); coding-DNA positions 797 to 798, 2 bases duplicated (TT; older notation c.797_798dupTT).
Protein change: p.Val267fs; shifts the reading frame from valine 267.
Molecular consequence: frameshift variant. On other transcripts: intron variant (1).
Genome position (GRCh38, 1-based): chr3:149,024,241-149,024,242, TT duplicated. VCF-style (leftmost placement, unchanged base first): chr3-149024240-C-CTT. GRCh37 (hg19) VCF-style: chr3-148742027-C-CTT.
Other names: c.609-2519_609-2518dup (NM_001184721.2); c.797_798dup, p.Val267fs (NM_001184720.2); short protein forms V267fs.
Identifiers: ClinVar variation 4785162 (VCV004785162.1).